The following is an entry in ClinVar:

NM_001035.3(RYR2):c.796G>T (p.Ala266Ser)

Gene: RYR2 (ryanodine receptor 2; plus strand). Cytogenetic location: 1q43.
Variant type: single nucleotide variant.
Coding change: c.796G>T on transcript NM_001035.3 (MANE Select); coding-DNA position 796, G replaced by T.
Protein change: p.Ala266Ser; replaces alanine 266 with serine.
Molecular consequence: missense variant.
Genome position (GRCh38, 1-based): chr1:237,417,071, G>T. VCF-style: chr1-237417071-G-T. GRCh37 (hg19) VCF-style: chr1-237580371-G-T.
Other names: short protein forms A266S.
Identifiers: ClinVar variation 1761429 (VCV001761429.7), dbSNP rs373326624, ClinGen allele CA087548.
Genomic context (GRCh38, chr1:237,417,071, plus strand): 5'-TAACTCACATTTGGGCTTTTGTTTGTTTGTTGAAACAGAACTGTTCATTATGAAGGTGGC[G>T]CTGTGTCTGTTCATGCACGTTCCCTTTGGAGACTAGAGACGCTAAGAGTTGCGTAAGTAG-3'
Protein context (NP_001026.2, residues 256-276): QRRTVHYEGG[Ala266Ser]VSVHARSLWR

ClinVar aggregate classification (germline): Conflicting classifications of pathogenicity. Review status: criteria provided, conflicting classifications (1 of 4 stars). 4 submissions from 4 submitters: Uncertain significance (3); Likely benign (1). Last evaluated 2025-05-12.

Conditions:
Catecholaminergic polymorphic ventricular tachycardia (CVPT). Also called: Catecholamine-induced polymorphic ventricular tachycardia. Identifiers: Orphanet 3286, MedGen C5574922, MONDO:0017990.
Catecholaminergic polymorphic ventricular tachycardia 1. Also called: VENTRICULAR TACHYCARDIA, CATECHOLAMINERGIC POLYMORPHIC, 1, WITH OR WITHOUT ATRIAL DYSFUNCTION AND/OR DILATED CARDIOMYOPATHY; VENTRICULAR TACHYCARDIA, STRESS-INDUCED POLYMORPHIC 1; RYR2-Related Catecholaminergic Polymorphic Ventricular Tachycardia. Identifiers: Orphanet 3286, MedGen C1631597, MONDO:0011484, OMIM 604772.
Cardiovascular phenotype. Identifiers: MedGen CN230736.

gnomAD v4.1: 1 of 1,613,554 alleles (0.000062%); highest among the groups gnomAD compares: African/African-American, 0.0013%; no homozygotes.

Submissions (4):

Labcorp Genetics (formerly Invitae), Labcorp
Classification: Likely benign for Catecholaminergic polymorphic ventricular tachycardia 1. Last evaluated: 2025-05-12. Review status: criteria provided, single submitter. Criteria: Invitae Variant Classification Sherloc (09022015). Collection method: clinical testing. Allele origin: germline.

Revvity Omics, Revvity
Classification: Uncertain significance. Last evaluated: 2023-09-14. Review status: criteria provided, single submitter. Criteria: ACMG Guidelines, 2015. Collection method: clinical testing. Allele origin: germline.

All of Us Research Program, National Institutes of Health
Classification: Uncertain significance for Catecholaminergic polymorphic ventricular tachycardia. Last evaluated: 2023-03-04. Review status: criteria provided, single submitter. Criteria: ACMG Guidelines, 2015. Collection method: clinical testing. Allele origin: germline. Inheritance: Autosomal dominant inheritance. Observed: 1 variant allele, 1 heterozygote.
Comment: This study involves interpretation of variants in research participants for the purpose of population health screening. Participant phenotype was not available at the time of variant classification. Additional details can be found in publication PMID: 35346344, PMCID: PMC8962531

Ambry Genetics
Classification: Uncertain significance for Cardiovascular phenotype. Last evaluated: 2022-08-11. Review status: criteria provided, single submitter. Criteria: Ambry Variant Classification Scheme 2023. Collection method: clinical testing. Allele origin: germline.
Comment: The p.A266S variant (also known as c.796G>T), located in coding exon 11 of the RYR2 gene, results from a G to T substitution at nucleotide position 796. The alanine at codon 266 is replaced by serine, an amino acid with similar properties. This amino acid position is well conserved in available vertebrate species. In addition, this alteration is predicted to be tolerated by in silico analysis. Since supporting evidence is limited at this time, the clinical significance of this alteration remains unclear.